The following is an entry in ClinVar:

ClinVar aggregate classification (germline): Uncertain significance (1 of 4 stars; one submission).

Conditions:
Baller-Gerold syndrome (BGS). Also called: CRANIOSYNOSTOSIS WITH RADIAL DEFECTS. Identifiers: Orphanet 1225, MedGen C0265308, MONDO:0009039, OMIM 218600.

Submission:

Labcorp Genetics (formerly Invitae), Labcorp
Classification: Uncertain significance for Baller-Gerold syndrome. Last evaluated: 2022-05-09. Review status: criteria provided, single submitter. Criteria: Invitae Variant Classification Sherloc (09022015). Collection method: clinical testing. Allele origin: germline.
Comment: In summary, the available evidence is currently insufficient to determine the role of this variant in disease. Therefore, it has been classified as a Variant of Uncertain Significance. ClinVar contains an entry for this variant (Variation ID: 1020098). Experimental studies and prediction algorithms are not available or were not evaluated, and the functional significance of this variant is currently unknown. This variant has not been reported in the literature in individuals affected with RECQL4-related conditions. This sequence change replaces aspartic acid, which is acidic and polar, with glycine, which is neutral and non-polar, at codon 1137 of the RECQL4 protein (p.Asp1137Gly). This variant is not present in population databases (gnomAD no frequency).

NM_004260.4(RECQL4):c.3410A>G (p.Asp1137Gly)

Gene: RECQL4 (RecQ like helicase 4; minus strand). Cytogenetic location: 8q24.3.
Variant type: single nucleotide variant.
Coding change: c.3410A>G on transcript NM_004260.4 (MANE Select); coding-DNA position 3410, A replaced by G.
Protein change: p.Asp1137Gly; replaces aspartic acid 1137 with glycine.
Molecular consequence: missense variant.
Genome position (GRCh38, 1-based): chr8:144,511,773, T>C on the plus strand (A>G on the coding strand, the complement: RECQL4 is on the minus strand). VCF-style: chr8-144511773-T-C. GRCh37 (hg19) VCF-style: chr8-145737156-T-C.
Other names: short protein forms D1137G.
Identifiers: ClinVar variation 1020098 (VCV001020098.5), dbSNP rs950715422, ClinGen allele CA187678793.
Genomic context (GRCh38, chr8:144,511,773, plus strand): 5'-CTGGAGAACTTCTCCTCTGGCCTCAGGGACAGGAACTGGCGGATGTCGCAGCGGACCTGG[T>C]CCTCCCAATCCTGGAGCTGTGTGGACAGGCACATCAGGCTTCCTCTGAGCTCCCGTGGCA-3'
Protein context (NP_004251.4, residues 1127-1147): PGQARLQDWE[Asp1137Gly]QVRCDIRQFL